The following is an entry in ClinVar:

ClinVar aggregate classification (germline): Uncertain significance. Review status: criteria provided, multiple submitters, no conflicts (2 of 4 stars). 2 submissions from 2 submitters: Uncertain significance (2). Last evaluated 2020-02-03.

Conditions:
Hyperkalemic periodic paralysis. Also called: Familial hyperkalemic periodic paralysis; Gamstorp disease. Identifiers: Orphanet 682, MedGen C0238357, MONDO:0008224, OMIM 170500, HP:0007215.

Allele frequency attached by ClinVar (database versions not stated): gnomAD 0.00001; TOPMed 0.00001.

Submissions (2):

Labcorp Genetics (formerly Invitae), Labcorp
Classification: Uncertain significance for Hyperkalemic periodic paralysis. Last evaluated: 2020-02-03. Review status: criteria provided, single submitter. Criteria: Invitae Variant Classification Sherloc (09022015). Collection method: clinical testing. Allele origin: germline.
Comment: In summary, the available evidence is currently insufficient to determine the role of this variant in disease. Therefore, it has been classified as a Variant of Uncertain Significance. Algorithms developed to predict the effect of missense changes on protein structure and function (SIFT, PolyPhen-2, Align-GVGD) all suggest that this variant is likely to be tolerated, but these predictions have not been confirmed by published functional studies and their clinical significance is uncertain. This variant has not been reported in the literature in individuals with SCN4A-related conditions. This variant is not present in population databases (ExAC no frequency). This sequence change replaces methionine with isoleucine at codon 1213 of the SCN4A protein (p.Met1213Ile). The methionine residue is highly conserved and there is a small physicochemical difference between methionine and isoleucine.

Revvity Omics, Revvity
Classification: Uncertain significance. Last evaluated: 2019-12-27. Review status: criteria provided, single submitter. Criteria: ACMG Guidelines, 2015. Collection method: clinical testing. Allele origin: germline.

NM_000334.4(SCN4A):c.3639G>A (p.Met1213Ile)

Genes: GH-LCR (growth hormone locus control region; plus strand), SCN4A (sodium voltage-gated channel alpha subunit 4; minus strand). Cytogenetic location: 17q23.3.
Variant type: single nucleotide variant.
Coding change: c.3639G>A on transcript NM_000334.4 (MANE Select); coding-DNA position 3639, G replaced by A.
Protein change: p.Met1213Ile; replaces methionine 1213 with isoleucine.
Molecular consequence: missense variant.
Genome position (GRCh38, 1-based): chr17:63,945,441, C>T on the plus strand (G>A on the coding strand, the complement: SCN4A is on the minus strand). VCF-style: chr17-63945441-C-T. GRCh37 (hg19) VCF-style: chr17-62022801-C-T.
Other names: short protein forms M1213I.
Identifiers: ClinVar variation 1043388 (VCV001043388.20), dbSNP rs1267107348, ClinGen allele CA400617851.